The following is an entry in ClinVar:

ClinVar aggregate classification (germline): Pathogenic (1 of 4 stars; one submission).

Conditions:
Familial thoracic aortic aneurysm and aortic dissection (TAAD). Also called: Thoracic aortic aneurysms and dissections. Identifiers: Orphanet 91387, MedGen C4707243, MONDO:0019625.
Marfan syndrome (MFS). Also called: FBN1-Related Marfan Syndrome; Marfan's syndrome; MARFAN SYNDROME, TYPE I; Marfan syndrome type 1; Marfan syndrome, classic. Identifiers: Orphanet 284963, Orphanet 558, MedGen C0024796, MONDO:0007947, OMIM 154700.

Submission:

Labcorp Genetics (formerly Invitae), Labcorp
Classification: Pathogenic for Marfan syndrome; Familial thoracic aortic aneurysm and aortic dissection. Last evaluated: 2019-09-29. Review status: criteria provided, single submitter. Criteria: Invitae Variant Classification Sherloc (09022015). Collection method: clinical testing. Allele origin: germline.
Comment: This variant has not been reported in the literature in individuals with FBN1-related conditions. This variant is an in-frame deletion of the genomic region encompassing exons 51-54 of the FBN1 gene. It preserves the integrity of the reading frame. For these reasons, this variant has been classified as Pathogenic. This variant affects cysteine residues in the EGF-like, TGFBP or hybrid motif domains of FBN1. Cysteine residues are believed to be involved in intramolecular disulfide bridges and have been shown to be important for FBN1 protein structure (PMID: 16905551, 19349279). In addition, missense substitutions affecting cysteine residues within these domains are significantly overrepresented among patients with Marfan syndrome (PMID: 16571647, 17701892).

Literature cited by the submitters: PubMed 16905551; PubMed 19349279; PubMed 16571647; PubMed 17701892.

NC_000015.10:g.(?_48434584)_(48437927_?)del

Gene: FBN1 (fibrillin 1; minus strand). Cytogenetic location: 15q21.1.
Variant type: Deletion.
Identifiers: ClinVar variation 830996 (VCV000830996.7).